The following is an entry in ClinVar:

NM_004369.4(COL6A3):c.1804G>T (p.Val602Leu)

Gene: COL6A3 (collagen type VI alpha 3 chain; minus strand). Cytogenetic location: 2q37.3.
Variant type: single nucleotide variant.
Coding change: c.1804G>T on transcript NM_004369.4 (MANE Select); coding-DNA position 1804, G replaced by T.
Protein change: p.Val602Leu; replaces valine 602 with leucine.
Molecular consequence: missense variant.
Genome position (GRCh38, 1-based): chr2:237,381,008, C>A on the plus strand (G>T on the coding strand, the complement: COL6A3 is on the minus strand). VCF-style: chr2-237381008-C-A. GRCh37 (hg19) VCF-style: chr2-238289651-C-A.
Other names: c.583G>T, p.Val195Leu (NM_057164.5, NM_057166.5); c.1186G>T, p.Val396Leu (NM_057165.5, NM_057167.4); short protein forms V195L, V602L, V396L.
Identifiers: ClinVar variation 1432633 (VCV001432633.6), dbSNP rs2106369723, ClinGen allele CA351216737.

ClinVar aggregate classification (germline): Uncertain significance (1 of 4 stars; one submission).

Conditions:
Bethlem myopathy 1A. Also called: MYOPATHY, BENIGN CONGENITAL, WITH CONTRACTURES; Bethlem Muscular Dystrophy; Bethlem myopathy 1. Identifiers: Orphanet 610, MedGen CN029274, MONDO:0024530, OMIM 158810.

Allele frequency attached by ClinVar (database versions not stated): gnomAD exomes 0.00001.
gnomAD v4.1: 5 of 1,614,192 alleles (0.00031%); highest among the groups gnomAD compares: Admixed American, 0.0017%; no homozygotes.

Submission:

Labcorp Genetics (formerly Invitae), Labcorp
Classification: Uncertain significance for Bethlem myopathy 1A. Last evaluated: 2025-10-06. Review status: criteria provided, single submitter. Criteria: Invitae Variant Classification Sherloc (09022015). Collection method: clinical testing. Allele origin: germline.
Comment: This sequence change replaces valine, which is neutral and non-polar, with leucine, which is neutral and non-polar, at codon 602 of the COL6A3 protein (p.Val602Leu). This variant is not present in population databases (gnomAD no frequency). This variant has not been reported in the literature in individuals affected with COL6A3-related conditions. ClinVar contains an entry for this variant (Variation ID: 1432633). Invitae Evidence Modeling of protein sequence and biophysical properties (such as structural, functional, and spatial information, amino acid conservation, physicochemical variation, residue mobility, and thermodynamic stability) indicates that this missense variant is not expected to disrupt COL6A3 protein function with a negative predictive value of 95%. In summary, the available evidence is currently insufficient to determine the role of this variant in disease. Therefore, it has been classified as a Variant of Uncertain Significance.